The following is an entry in ClinVar:

NM_000117.3(EMD):c.753C>T (p.Gly251=)

Gene: EMD (emerin; plus strand). Cytogenetic location: Xq28.
Variant type: single nucleotide variant.
Coding change: c.753C>T on transcript NM_000117.3 (MANE Select); coding-DNA position 753, C replaced by T.
Protein change: p.Gly251=; no amino-acid change (glycine 251 retained).
Molecular consequence: synonymous variant.
Genome position (GRCh38, 1-based): chrX:154,381,185, C>T. VCF-style: chrX-154381185-C-T. GRCh37 (hg19) VCF-style: chrX-153609545-C-T.
Identifiers: ClinVar variation 3725084 (VCV003725084.2).

ClinVar aggregate classification (germline): Uncertain significance (1 of 4 stars; one submission).

Conditions:
X-linked Emery-Dreifuss muscular dystrophy. Also called: Muscular dystrophy, tardive Emery-Dreifuss type, with contractures. Identifiers: Orphanet 261, Orphanet 98863, MedGen C0751337, MONDO:0010680.

Submission:

Labcorp Genetics (formerly Invitae), Labcorp
Classification: Uncertain significance for X-linked Emery-Dreifuss muscular dystrophy. Last evaluated: 2024-12-05. Review status: criteria provided, single submitter. Criteria: Invitae Variant Classification Sherloc (09022015). Collection method: clinical testing. Allele origin: germline.
Comment: This sequence change affects codon 251 of the EMD mRNA. It is a 'silent' change, meaning that it does not change the encoded amino acid sequence of the EMD protein. This variant is not present in population databases (gnomAD no frequency). This variant has not been reported in the literature in individuals affected with EMD-related conditions. Algorithms developed to predict the effect of sequence changes on RNA splicing suggest that this variant may create or strengthen a splice site. In summary, the available evidence is currently insufficient to determine the role of this variant in disease. Therefore, it has been classified as a Variant of Uncertain Significance.